The following is an entry in ClinVar:

NC_000007.13:g.(?_106964865)_(106964986_?)del

Gene: COG5 (component of oligomeric golgi complex 5; minus strand). Cytogenetic location: 7q22.3.
Variant type: Deletion.
Identifiers: ClinVar variation 2425576 (VCV002425576.4).

ClinVar aggregate classification (germline): Pathogenic (1 of 4 stars; one submission).

Conditions:
COG5-congenital disorder of glycosylation. Also called: CONGENITAL DISORDER OF GLYCOSYLATION, TYPE IIi; COG5-CDG; CDG IIi. Identifiers: Orphanet 263487, MedGen C3150876, MONDO:0013325, OMIM 613612.

Submission:

Labcorp Genetics (formerly Invitae), Labcorp
Classification: Pathogenic for COG5-congenital disorder of glycosylation. Last evaluated: 2023-07-25. Review status: criteria provided, single submitter. Criteria: Invitae Variant Classification Sherloc (09022015). Collection method: clinical testing. Allele origin: germline.
Comment: For these reasons, this variant has been classified as Pathogenic. This variant has not been reported in the literature in individuals affected with COG5-related conditions. This variant is a gross deletion of the genomic region encompassing exon(s) 11 of the COG5 gene. This deletion is out-of-frame, and is expected to create a premature termination codon and result in an absent or disrupted protein product. Loss-of-function variants in COG5 are known to be pathogenic (PMID: 23228021).

Literature cited by the submitters: PubMed 23228021.